The following is an entry in ClinVar:

NM_006060.6(IKZF1):c.1537G>C (p.Glu513Gln)

Gene: IKZF1 (IKAROS family zinc finger 1; plus strand). Cytogenetic location: 7p12.2.
Variant type: single nucleotide variant.
Coding change: c.1537G>C on transcript NM_006060.6 (MANE Select); coding-DNA position 1537, G replaced by C.
Protein change: p.Glu513Gln; replaces glutamic acid 513 with glutamine.
Molecular consequence: missense variant.
Genome position (GRCh38, 1-based): chr7:50,400,604, G>C. VCF-style: chr7-50400604-G-C. GRCh37 (hg19) VCF-style: chr7-50468302-G-C.
Other names: c.1108G>C, p.Glu370Gln (NM_001291841.1, NM_001220771.2); c.1078G>C, p.Glu360Gln (NM_001291842.1); c.982G>C, p.Glu328Gln (NM_001291843.1); c.952G>C, p.Glu318Gln (NM_001291844.1); c.1597G>C, p.Glu533Gln (NM_001410879.1); c.1276G>C, p.Glu426Gln (NM_001291838.2, NM_001220768.2); c.1150G>C, p.Glu384Gln (NM_001291839.2); c.847G>C, p.Glu283Gln (NM_001291840.1); and 3 more; short protein forms E318Q, E328Q, E384Q, E416Q, E513Q, E283Q, E360Q, E426Q.
Identifiers: ClinVar variation 2825278 (VCV002825278.3), dbSNP rs2538953734, ClinGen allele CA367525393.

ClinVar aggregate classification (germline): Uncertain significance (1 of 4 stars; one submission).

Submission:

Labcorp Genetics (formerly Invitae), Labcorp
Classification: Uncertain significance. Last evaluated: 2023-03-20. Review status: criteria provided, single submitter. Criteria: Invitae Variant Classification Sherloc (09022015). Collection method: clinical testing. Allele origin: germline.
Comment: In summary, the available evidence is currently insufficient to determine the role of this variant in disease. Therefore, it has been classified as a Variant of Uncertain Significance. An algorithm developed to predict the effect of missense changes on protein structure and function (PolyPhen-2) suggests that this variant is likely to be disruptive. This variant has not been reported in the literature in individuals affected with IKZF1-related conditions. This variant is not present in population databases (gnomAD no frequency). This sequence change replaces glutamic acid, which is acidic and polar, with glutamine, which is neutral and polar, at codon 513 of the IKZF1 protein (p.Glu513Gln).